The following is an entry in ClinVar:

NM_001379500.1(COL18A1):c.107-11943G>A

Gene: COL18A1 (collagen type XVIII alpha 1 chain; plus strand). Cytogenetic location: 21q22.3.
Variant type: single nucleotide variant.
Coding change: c.107-11943G>A on transcript NM_001379500.1 (MANE Select); 11943 bases into the intron before coding-DNA position 107, G replaced by A.
Molecular consequence: intron variant. On other transcripts: missense variant (1).
Genome position (GRCh38, 1-based): chr21:45,456,299, G>A. VCF-style: chr21-45456299-G-A. GRCh37 (hg19) VCF-style: chr21-46876213-G-A.
Other names: c.769G>A, p.Val257Ile (NM_130444.3); c.646+123G>A (NM_030582.4); short protein forms V257I.
Identifiers: ClinVar variation 3033264 (VCV003033264.3), dbSNP rs542947545, ClinGen allele CA10065575.

ClinVar aggregate classification (germline): Likely benign. Review status: criteria provided, single submitter (1 of 4 stars). 2 submissions from 2 submitters: Likely benign (1). 1 of the submissions does not count toward it. Last evaluated 2024-11-23.

Conditions:
COL18A1-related disorder. Also called: COL18A1-related disorders; COL18A1-related condition.

Allele frequency attached by ClinVar (database versions not stated): gnomAD 0.00019; gnomAD exomes 0.00020; TOPMed 0.00034; ExAC 0.00071; 1000 Genomes Project 0.00100; 1000 Genomes Project 30x 0.00125.
gnomAD v4.1: 320 of 1,557,286 alleles (0.021%); highest among the groups gnomAD compares: East Asian, 0.65%; 3 homozygotes.

Submissions (2):

Blueprint Genetics
Classification: Likely benign. Last evaluated: 2024-11-23. Review status: criteria provided, single submitter. Criteria: ACMG Guidelines, 2015. Collection method: clinical testing. Allele origin: germline.

PreventionGenetics, part of Exact Sciences
Classification: Benign for COL18A1-related condition. Last evaluated: 2019-07-04. Review status: no assertion criteria provided. Collection method: clinical testing. Allele origin: germline. Not counted in ClinVar's aggregate classification.
Comment: This variant is classified as benign based on ACMG/AMP sequence variant interpretation guidelines (Richards et al. 2015 PMID: 25741868, with internal and published modifications).